The following is an entry in ClinVar:

NM_001258392.3(CLPB):c.347G>C (p.Cys116Ser)

Gene: CLPB (ClpB family mitochondrial disaggregase; minus strand). Cytogenetic location: 11q13.4.
Variant type: single nucleotide variant.
Coding change: c.347G>C on transcript NM_001258392.3 (MANE Select); coding-DNA position 347, G replaced by C.
Protein change: p.Cys116Ser; replaces cysteine 116 with serine.
Molecular consequence: missense variant. On other transcripts: synonymous variant (1).
Genome position (GRCh38, 1-based): chr11:72,434,128, C>G on the plus strand (G>C on the coding strand, the complement: CLPB is on the minus strand). VCF-style: chr11-72434128-C-G. GRCh37 (hg19) VCF-style: chr11-72145172-C-G.
Other names: p.Cys116Ser; c.347G>C, p.Cys116Ser (NM_001258393.3, NM_030813.6); c.105G>C, p.Val35= (NM_001258394.3); c.347G>C (NM_030813.3); short protein forms C116S.
Identifiers: ClinVar variation 639454 (VCV000639454.14), dbSNP rs549191970, ClinGen allele CA6171623.

ClinVar aggregate classification (germline): Uncertain significance. Review status: criteria provided, multiple submitters, no conflicts (2 of 4 stars). 5 submissions from 5 submitters: Uncertain significance (5). Last evaluated 2025-12-14.

Conditions:
3-methylglutaconic aciduria, type VIIB (MGCA7B). Also called: CLPB Deficiency; 3-methylglutaconic aciduria with cataracts, neurologic involvement and neutropenia; 3-methylglutaconic aciduria, type VII, with cataracts, neurologic involvement and neutropenia. Identifiers: Orphanet 445038, MedGen C5676893, MONDO:0014561, OMIM 616271.
Inborn genetic diseases. Identifiers: MedGen C0950123, MeSH D030342.

Allele frequency attached by ClinVar (database versions not stated): ExAC 0.00001; gnomAD exomes 0.00001 and 0.00002; TOPMed 0.00001; 1000 Genomes Project 0.00020; 1000 Genomes Project 30x 0.00031.
gnomAD v4.1: 19 of 1,612,330 alleles (0.0012%); highest among the groups gnomAD compares: Admixed American, 0.0067%; no homozygotes.

Submissions (5):

Labcorp Genetics (formerly Invitae), Labcorp
Classification: Uncertain significance for 3-methylglutaconic aciduria, type VIIB. Last evaluated: 2025-12-14. Review status: criteria provided, single submitter. Criteria: Invitae Variant Classification Sherloc (09022015). Collection method: clinical testing. Allele origin: germline.
Comment: This sequence change replaces cysteine, which is neutral and slightly polar, with serine, which is neutral and polar, at codon 116 of the CLPB protein (p.Cys116Ser). This variant is present in population databases (rs549191970, gnomAD 0.006%). This variant has not been reported in the literature in individuals affected with CLPB-related conditions. ClinVar contains an entry for this variant (Variation ID: 639454). An algorithm developed to predict the effect of missense changes on protein structure and function (PolyPhen-2) suggests that this variant is likely to be tolerated. In summary, the available evidence is currently insufficient to determine the role of this variant in disease. Therefore, it has been classified as a Variant of Uncertain Significance.

Women's Health and Genetics/Laboratory Corporation of America, LabCorp
Classification: Uncertain significance. Last evaluated: 2025-11-05. Review status: criteria provided, single submitter. Criteria: LabCorp Variant Classification Summary - May 2015. Collection method: clinical testing. Allele origin: germline.
Comment: Variant summary: CLPB c.347G>C (p.Cys116Ser) results in a non-conservative amino acid change in the encoded protein sequence. Algorithms developed to predict the effect of missense changes on protein structure and function are either unavailable or do not agree on the potential impact of this missense change. The variant allele was found at a frequency of 1.6e-05 in 248624 control chromosomes. The available data on variant occurrences in the general population are insufficient to allow any conclusion about variant significance. To our knowledge, no occurrence of c.347G>C in individuals affected with CLPB-related conditions and no experimental evidence demonstrating its impact on protein function have been reported. ClinVar contains an entry for this variant (Variation ID: 639454). Based on the evidence outlined above, the variant was classified as uncertain significance.

Mayo Clinic Laboratories, Mayo Clinic
Classification: Uncertain significance. Last evaluated: 2025-09-19. Review status: criteria provided, single submitter. Criteria: ACMG Guidelines, 2015. Collection method: clinical testing. Allele origin: germline. Observed: 1 variant allele.
Comment: BP4_moderate

GeneDx
Classification: Uncertain significance. Last evaluated: 2025-08-12. Review status: criteria provided, single submitter. Criteria: GeneDx Variant Classification Process June 2021. Collection method: clinical testing. Allele origin: germline.
Comment: In silico analysis suggests that this missense variant does not alter protein structure/function; Has not been previously published as pathogenic or benign to our knowledge

Ambry Genetics
Classification: Uncertain significance for Inborn genetic diseases. Last evaluated: 2024-05-02. Review status: criteria provided, single submitter. Criteria: Ambry Variant Classification Scheme 2023. Collection method: clinical testing. Allele origin: germline.